The following is an entry in ClinVar:

ClinVar aggregate classification (germline): Uncertain significance. Review status: criteria provided, multiple submitters, no conflicts (2 of 4 stars). 2 submissions from 2 submitters: Uncertain significance (2). Last evaluated 2025-06-08.

Submissions (2):

Labcorp Genetics (formerly Invitae), Labcorp
Classification: Uncertain significance. Last evaluated: 2025-06-08. Review status: criteria provided, single submitter. Criteria: Invitae Variant Classification Sherloc (09022015). Collection method: clinical testing. Allele origin: germline.
Comment: This sequence change falls in intron 11 of the TRAF3IP1 gene. It does not directly change the encoded amino acid sequence of the TRAF3IP1 protein. It affects a nucleotide within the consensus splice site. This variant is not present in population databases (gnomAD no frequency). This variant has not been reported in the literature in individuals affected with TRAF3IP1-related conditions. ClinVar contains an entry for this variant (Variation ID: 1936595). Variants that disrupt the consensus splice site are a relatively common cause of aberrant splicing (PMID: 17576681, 9536098). Algorithms developed to predict the effect of sequence changes on RNA splicing suggest that this variant is not likely to affect RNA splicing. In summary, the available evidence is currently insufficient to determine the role of this variant in disease. Therefore, it has been classified as a Variant of Uncertain Significance.

Blueprint Genetics
Classification: Uncertain significance. Last evaluated: 2024-06-05. Review status: criteria provided, single submitter. Criteria: ACMG Guidelines, 2015. Collection method: clinical testing. Allele origin: germline.

Literature cited by the submitters: PubMed 17576681 (cited by Labcorp Genetics (formerly Invitae), Labcorp); PubMed 9536098 (cited by Labcorp Genetics (formerly Invitae), Labcorp).

NM_015650.4(IFT54):c.1367+3_1367+8del

Gene: IFT54 (intraflagellar transport 54; plus strand). Cytogenetic location: 2q37.3.
Variant type: Deletion.
Coding change: c.1367+3_1367+8del on transcript NM_015650.4 (MANE Select); bases 3 to 8 of the intron after coding-DNA position 1367, 6 bases deleted (CTGTGT; older notation c.1367+3_1367+8delCTGTGT).
Molecular consequence: splice donor variant.
Genome position (GRCh38, 1-based): chr2:238,348,851-238,348,856, CTGTGT deleted; deleting any 6 consecutive bases within chr2:238,348,849-238,348,856 gives the same sequence; the c. name uses the placement nearest the transcript's 3' end. VCF-style (leftmost placement, unchanged base first): chr2-238348848-GGTCTGT-G. GRCh37 (hg19) VCF-style: chr2-239257489-GGTCTGT-G.
Other names: c.1169+3_1169+8del (NM_001139490.1).
Identifiers: ClinVar variation 1936595 (VCV001936595.4), dbSNP rs1465910018, ClinGen allele CA766759162.